The following is an entry in ClinVar:

NM_003238.6(TGFB2):c.619G>T (p.Val207Phe)

Gene: TGFB2 (transforming growth factor beta 2; plus strand). Cytogenetic location: 1q41.
Variant type: single nucleotide variant.
Coding change: c.619G>T on transcript NM_003238.6 (MANE Select); coding-DNA position 619, G replaced by T.
Protein change: p.Val207Phe; replaces valine 207 with phenylalanine.
Molecular consequence: missense variant. On other transcripts: non-coding transcript variant (2).
Genome position (GRCh38, 1-based): chr1:218,434,190, G>T. VCF-style: chr1-218434190-G-T. GRCh37 (hg19) VCF-style: chr1-218607532-G-T.
Other names: c.703G>T, p.Val235Phe (NM_001135599.4); short protein forms V207F, V235F.
Identifiers: ClinVar variation 4738014 (VCV004738014.1).

ClinVar aggregate classification (germline): Uncertain significance (1 of 4 stars; one submission).

Conditions:
Loeys-Dietz syndrome 4 (LDS4). Also called: ANEURYSM, AORTIC AND CEREBRAL, WITH ARTERIAL TORTUOSITY AND SKELETAL MANIFESTATIONS; TGFB2-Related Loeys-Dietz Syndrome. Identifiers: MedGen C3553762, MONDO:0013897, OMIM 614816.

Submission:

Labcorp Genetics (formerly Invitae), Labcorp
Classification: Uncertain significance for Loeys-Dietz syndrome 4. Last evaluated: 2025-05-22. Review status: criteria provided, single submitter. Criteria: Invitae Variant Classification Sherloc (09022015). Collection method: clinical testing. Allele origin: germline.
Comment: This sequence change replaces valine, which is neutral and non-polar, with phenylalanine, which is neutral and non-polar, at codon 207 of the TGFB2 protein (p.Val207Phe). This variant is not present in population databases (gnomAD no frequency). This variant has not been reported in the literature in individuals affected with TGFB2-related conditions. Invitae Evidence Modeling of protein sequence and biophysical properties (such as structural, functional, and spatial information, amino acid conservation, physicochemical variation, residue mobility, and thermodynamic stability) indicates that this missense variant is not expected to disrupt TGFB2 protein function with a negative predictive value of 80%. In summary, the available evidence is currently insufficient to determine the role of this variant in disease. Therefore, it has been classified as a Variant of Uncertain Significance.